The following is an entry in ClinVar:

NM_003254.3(TIMP1):c.195G>T (p.Met65Ile)

Genes: SYN1 (synapsin I; minus strand), TIMP1 (TIMP metallopeptidase inhibitor 1; plus strand). Cytogenetic location: Xp11.3.
Variant type: single nucleotide variant.
Coding change: c.195G>T on transcript NM_003254.3 (MANE Select); coding-DNA position 195, G replaced by T.
Protein change: p.Met65Ile; replaces methionine 65 with isoleucine.
Molecular consequence: missense variant. On other transcripts: intron variant (2).
Genome position (GRCh38, 1-based): chrX:47,585,009, G>T. VCF-style: chrX-47585009-G-T. GRCh37 (hg19) VCF-style: chrX-47444408-G-T.
Other names: c.775-7508C>A (NM_133499.2, NM_006950.3); short protein forms M65I.
Identifiers: ClinVar variation 2660430 (VCV002660430.24), dbSNP rs61756234, ClinGen allele CA10398530.
Genomic context (GRCh38, chrX:47,585,009, plus strand): 5'-GTTCGTGGGGACACCAGAAGTCAACCAGACCACCTTATACCAGCGTTATGAGATCAAGAT[G>T]ACCAAGGTATCCCCTGCCCCCGCCTCTTTCCCAGCATTTTCTAACATCTTCCTCCTGGTC-3'
Protein context (NP_003245.1, residues 55-75): TTLYQRYEIK[Met65Ile]TKMYKGFQAL

ClinVar aggregate classification (germline): Likely benign (1 of 4 stars; one submission).

Allele frequency attached by ClinVar (database versions not stated): ESP Exome Variant Server 0.00038.
gnomAD v4.1: 713 of 1,208,306 alleles (0.059%); highest among the groups gnomAD compares: Non-Finnish European, 0.076%; no homozygotes.

Submission:

CeGaT Center for Human Genetics Tuebingen
Classification: Likely benign. Last evaluated: 2022-12-01. Review status: criteria provided, single submitter. Criteria: CeGaT Center For Human Genetics Tuebingen Variant Classification Criteria Version 2. Collection method: clinical testing. Allele origin: germline. Affected: yes. Observed: 1 variant allele.
Comment: SYN1: BS2; TIMP1: BS2